The following is an entry in ClinVar:

NM_025114.4(CEP290):c.6249dup (p.Lys2084Ter)

Gene: CEP290 (centrosomal protein 290; minus strand). Cytogenetic location: 12q21.32.
Variant type: Duplication.
Coding change: c.6249dup on transcript NM_025114.4 (MANE Select); coding-DNA position 6249, one base duplicated (T; older notation c.6249dupT).
Protein change: p.Lys2084Ter; replaces lysine 2084 with a stop codon.
Molecular consequence: nonsense.
Genome position (GRCh38, 1-based): chr12:88,064,002, A duplicated on the plus strand (T on the coding strand, the reverse complement: CEP290 is on the minus strand). VCF-style (leftmost placement, unchanged base first): chr12-88064001-T-TA. GRCh37 (hg19) VCF-style: chr12-88457778-T-TA.
Other names: short protein forms K2084*.
Identifiers: ClinVar variation 2680589 (VCV002680589.2), dbSNP rs2499617680, ClinGen allele CA2620106870.

ClinVar aggregate classification (germline): Likely pathogenic. Review status: criteria provided, multiple submitters, no conflicts (2 of 4 stars). 2 submissions from 2 submitters: Likely pathogenic (2). Last evaluated 2023-08-23.

Conditions:
Meckel syndrome, type 4 (MKS4). Also called: MECKEL-GRUBER SYNDROME, TYPE 4. Identifiers: Orphanet 564, MedGen C1970161, MONDO:0012626, OMIM 611134.
Bardet-Biedl syndrome 14 (BBS14). Identifiers: Orphanet 110, MedGen C2673874, MONDO:0014442, OMIM 615991.

Allele frequency attached by ClinVar (database versions not stated): gnomAD exomes below 0.00001.

Submissions (2):

Baylor Genetics
Classification: Likely pathogenic for Bardet-Biedl syndrome 14. Last evaluated: 2023-08-23. Review status: criteria provided, single submitter. Criteria: ACMG Guidelines, 2015. Collection method: clinical testing. Allele origin: unknown.

Neuberg Centre For Genomic Medicine, NCGM
Classification: Likely pathogenic for Meckel syndrome, type 4. Review status: criteria provided, single submitter. Criteria: ACMG Guidelines, 2015. Collection method: clinical testing. Allele origin: germline. Inheritance: Autosomal recessive inheritance. Affected: yes.
Comment: The observed stop gained variant c.6249dup(p.Lys2084Ter) in the CEP290 gene has not been reported previously as a pathogenic variant nor as a benign variant, to our knowledge. This variant is absent in the gnomAD Exomes. This variant is predicted to cause loss of normal protein function either through protein truncation or nonsense-mediated mRNA decay. Loss of function variants have been previously reported to be disease causing (Wang X, et al., 2020). For these reasons, this variant has been classified as Likely Pathogenic.